The following is an entry in ClinVar:

NM_152424.4(AMER1):c.1112A>G (p.Glu371Gly)

Gene: AMER1 (APC membrane recruitment protein 1; minus strand). Cytogenetic location: Xq11.2.
Variant type: single nucleotide variant.
Coding change: c.1112A>G on transcript NM_152424.4 (MANE Select); coding-DNA position 1112, A replaced by G.
Protein change: p.Glu371Gly; replaces glutamic acid 371 with glycine.
Molecular consequence: missense variant.
Genome position (GRCh38, 1-based): chrX:64,192,175, T>C on the plus strand (A>G on the coding strand, the complement: AMER1 is on the minus strand). VCF-style: chrX-64192175-T-C. GRCh37 (hg19) VCF-style: chrX-63412055-T-C.
Other names: short protein forms E371G.
Identifiers: ClinVar variation 4711692 (VCV004711692.1).
Genomic context (GRCh38, chrX:64,192,175, plus strand): 5'-TCTAATTCCACCTCTTCTTCCTCTTCTTCCTCCTCGTCATCATCATCTGGCAAGGCCATC[T>C]CCTCCCCACCTCCTTGGTAGGTCACCAGGCAGGAACTTCGCTTGGTCCCATCTCGGTTTG-3'
Protein context (NP_689637.3, residues 361-381): CLVTYQGGGE[Glu371Gly]MALPDDDDEE

ClinVar aggregate classification (germline): Uncertain significance (1 of 4 stars; one submission).

Submission:

Labcorp Genetics (formerly Invitae), Labcorp
Classification: Uncertain significance. Last evaluated: 2025-07-29. Review status: criteria provided, single submitter. Criteria: Invitae Variant Classification Sherloc (09022015). Collection method: clinical testing. Allele origin: germline.
Comment: This sequence change replaces glutamic acid, which is acidic and polar, with glycine, which is neutral and non-polar, at codon 371 of the AMER1 protein (p.Glu371Gly). This variant is present in population databases (rs747944110, gnomAD 0.02%), including at least one homozygous and/or hemizygous individual. This variant has not been reported in the literature in individuals affected with AMER1-related conditions. An algorithm developed to predict the effect of missense changes on protein structure and function (PolyPhen-2) suggests that this variant is likely to be disruptive. In summary, the available evidence is currently insufficient to determine the role of this variant in disease. Therefore, it has been classified as a Variant of Uncertain Significance.